The following is an entry in ClinVar:

ClinVar aggregate classification (germline): Uncertain significance. Review status: criteria provided, multiple submitters, no conflicts (2 of 4 stars). 3 submissions from 3 submitters: Uncertain significance (3). Last evaluated 2025-12-08.

Conditions:
Inborn genetic diseases. Identifiers: MedGen C0950123, MeSH D030342.
Spastic paraplegia. Identifiers: MedGen C0037772, HP:0001258.

Allele frequency attached by ClinVar (database versions not stated): gnomAD exomes 0.00001; TOPMed 0.00001; ESP Exome Variant Server 0.00008.
gnomAD v4.1: 8 of 1,614,016 alleles (0.0005%); highest among the groups gnomAD compares: African/African-American, 0.0013%; no homozygotes.

Submissions (3):

Ambry Genetics
Classification: Uncertain significance for Inborn genetic diseases. Last evaluated: 2025-12-08. Review status: criteria provided, single submitter. Criteria: Ambry Variant Classification Scheme 2023. Collection method: clinical testing. Allele origin: germline.

Labcorp Genetics (formerly Invitae), Labcorp
Classification: Uncertain significance for Spastic paraplegia. Last evaluated: 2025-12-03. Review status: criteria provided, single submitter. Criteria: Invitae Variant Classification Sherloc (09022015). Collection method: clinical testing. Allele origin: germline.
Comment: This sequence change replaces valine, which is neutral and non-polar, with methionine, which is neutral and non-polar, at codon 109 of the VAMP1 protein (p.Val109Met). This variant is present in population databases (rs147397648, gnomAD 0.007%). This variant has not been reported in the literature in individuals affected with VAMP1-related conditions. ClinVar contains an entry for this variant (Variation ID: 849848). An algorithm developed to predict the effect of missense changes on protein structure and function (PolyPhen-2) suggests that this variant is likely to be tolerated. In summary, the available evidence is currently insufficient to determine the role of this variant in disease. Therefore, it has been classified as a Variant of Uncertain Significance.

Blueprint Genetics
Classification: Uncertain significance. Last evaluated: 2022-05-09. Review status: criteria provided, single submitter. Criteria: ACMG Guidelines, 2015. Collection method: clinical testing. Allele origin: germline.

NM_014231.5(VAMP1):c.325G>A (p.Val109Met)

Genes: TAPBPL (TAP binding protein like; plus strand), VAMP1 (vesicle associated membrane protein 1; minus strand). Cytogenetic location: 12p13.31.
Variant type: single nucleotide variant.
Coding change: c.325G>A on transcript NM_014231.5 (MANE Select); coding-DNA position 325, G replaced by A.
Protein change: p.Val109Met; replaces valine 109 with methionine.
Molecular consequence: missense variant. On other transcripts: non-coding transcript variant (1).
Genome position (GRCh38, 1-based): chr12:6,464,905, C>T on the plus strand (G>A on the coding strand, the complement: VAMP1 is on the minus strand). VCF-style: chr12-6464905-C-T. GRCh37 (hg19) VCF-style: chr12-6574071-C-T.
Other names: c.325G>A, p.Val109Met (NM_001297438.2, NM_016830.4, NM_199245.3); short protein forms V109M.
Identifiers: ClinVar variation 849848 (VCV000849848.11), dbSNP rs147397648, ClinGen allele CA232341861.